The following is an entry in ClinVar:

ClinVar aggregate classification (germline): Pathogenic. Review status: criteria provided, multiple submitters, no conflicts (2 of 4 stars). 5 submissions from 5 submitters: Pathogenic (3). 2 of the submissions do not count toward it. Last evaluated 2025-08-13.

Conditions:
Tuberous sclerosis syndrome (TSC). Also called: Tuberous Sclerosis Complex; Tuberous sclerosis. Identifiers: Orphanet 805, MedGen C0041341, MONDO:0001734.
Tuberous sclerosis 1 (TSC1). Identifiers: Orphanet 805, MedGen C1854465, MONDO:0008612, OMIM 191100.
TSC1-related disorder. Also called: TSC1-related condition.

Submissions (5):

GeneDx
Classification: Pathogenic. Last evaluated: 2025-08-13. Review status: criteria provided, single submitter. Criteria: GeneDx Variant Classification Process June 2021. Collection method: clinical testing. Allele origin: germline. Affected: yes.
Comment: Identified in patients with TSC1-related tuberous sclerosis complex referred for genetic testing at GeneDx and in published literature (PMID: 27406250); Nonsense variant predicted to result in protein truncation or nonsense mediated decay in a gene for which loss of function is a known mechanism of disease; Not observed at significant frequency in large population cohorts (gnomAD); This variant is associated with the following publications: (PMID: 27406250, 31927531)

Labcorp Genetics (formerly Invitae), Labcorp
Classification: Pathogenic for Tuberous sclerosis 1. Last evaluated: 2025-08-13. Review status: criteria provided, single submitter. Criteria: Invitae Variant Classification Sherloc (09022015). Collection method: clinical testing. Allele origin: germline.
Comment: This sequence change creates a premature translational stop signal (p.Gln145*) in the TSC1 gene. It is expected to result in an absent or disrupted protein product. Loss-of-function variants in TSC1 are known to be pathogenic (PMID: 10227394, 17304050). This variant is not present in population databases (gnomAD no frequency). This premature translational stop signal has been observed in individual(s) with tuberous sclerosis complex (PMID: 27406250). ClinVar contains an entry for this variant (Variation ID: 49041). For these reasons, this variant has been classified as Pathogenic.

Clinical Genetics Laboratory, Skane University Hospital Lund
Classification: Pathogenic for Tuberous sclerosis syndrome. Last evaluated: 2024-09-23. Review status: criteria provided, single submitter. Criteria: ACMG Guidelines, 2015. Collection method: clinical testing. Allele origin: germline. Affected: yes.
Comment: ACMG criteria used: PVS1, PS4_Supporting, PM2

PreventionGenetics, part of Exact Sciences
Classification: Pathogenic for TSC1-related condition. Last evaluated: 2024-03-26. Review status: no assertion criteria provided. Collection method: clinical testing. Allele origin: germline. Not counted in ClinVar's aggregate classification.
Comment: The TSC1 c.433C>T variant is predicted to result in premature protein termination (p.Gln145*). This variant was reported in a tuberous sclerosis complex cohort study: However, no clinical details were provided (Supplement, Overwater et al. 2016. PubMed ID: 27406250). This variant has not been reported in a large population database, indicating this variant is rare and is interpreted as pathogenic in ClinVar. Nonsense variants in TSC1 are expected to be pathogenic. This variant is interpreted as pathogenic.

Tuberous sclerosis database (TSC1)
No classification provided. Condition: TSC. Review status: no classification provided. Criteria: Tuberous Sclerosis Database Assertion Criteria 2015. Collection method: curation. Allele origin: germline. Affected: yes. Not counted in ClinVar's aggregate classification.

Literature cited by the submitters: PubMed 10227394 (cited by Labcorp Genetics (formerly Invitae), Labcorp); PubMed 17304050 (cited by Labcorp Genetics (formerly Invitae), Labcorp); PubMed 27406250 (cited by Labcorp Genetics (formerly Invitae), Labcorp).

NM_000368.5(TSC1):c.433C>T (p.Gln145Ter)

Gene: TSC1 (TSC complex subunit 1; minus strand). Cytogenetic location: 9q34.13.
Variant type: single nucleotide variant.
Coding change: c.433C>T on transcript NM_000368.5 (MANE Select); coding-DNA position 433, C replaced by T.
Protein change: p.Gln145Ter; replaces glutamine 145 with a stop codon.
Molecular consequence: nonsense.
Genome position (GRCh38, 1-based): chr9:132,923,423, G>A on the plus strand (C>T on the coding strand, the complement: TSC1 is on the minus strand). VCF-style: chr9-132923423-G-A. GRCh37 (hg19) VCF-style: chr9-135798810-G-A.
Other names: c.433C>T, p.Gln145Ter (NM_001162426.2); c.280C>T, p.Gln94Ter (NM_001162427.2); c.70C>T, p.Gln24Ter (NM_001362177.2); short protein forms Q145*, Q24*, Q94*.
Identifiers: ClinVar variation 49041 (VCV000049041.8), dbSNP rs118203382, ClinGen allele CA007587.